The following is an entry in ClinVar:

NM_000095.3(COMP):c.1227_1235delinsATGTCCCCC (p.Asn409_Gln412delinsLysCysProPro)

Gene: COMP (cartilage oligomeric matrix protein; minus strand). Cytogenetic location: 19p13.11.
Variant type: Indel.
Coding change: c.1227_1235delinsATGTCCCCC on transcript NM_000095.3 (MANE Select); coding-DNA positions 1227 to 1235, CTGTCCCCA replaced by ATGTCCCCC.
Protein change: p.Asn409_Gln412delinsLysCysProPro.
Molecular consequence: missense variant.
Genome position (GRCh38, 1-based): chr19:18,786,551-18,786,559, TGGGGACAG replaced by GGGGGACAT on the plus strand (CTGTCCCCA replaced by ATGTCCCCC on the coding strand, the reverse complement: COMP is on the minus strand). VCF-style: chr19-18786551-TGGGGACAG-GGGGGACAT. GRCh37 (hg19) VCF-style: chr19-18897361-TGGGGACAG-GGGGGACAT.
Identifiers: ClinVar variation 3775903 (VCV003775903.1).
Genomic context (GRCh38, chr19:18,786,551, plus strand): 5'-ACCCAGAGGGCTTACCCAGCTGGAGTCTGGCCTGCCCTCACCTGATCCGGGTTGCTCTTC[TGGGGACAG>GGGGGACAT]TTGTCACAGGCATCCCCTATACCATCGCCATCACTGTCCTTCTGGTCTGAGTTGGGTACC-3'

ClinVar aggregate classification (germline): Uncertain significance (1 of 4 stars; one submission).

Conditions:
Multiple epiphyseal dysplasia type 1. Also called: COMP-Related Multiple Epiphyseal Dysplasia. Identifiers: Orphanet 93308, MedGen C1838280, MONDO:0007561, OMIM 132400.

Submission:

3billion
Classification: Uncertain significance for Multiple epiphyseal dysplasia type 1. Last evaluated: 2024-02-29. Review status: criteria provided, single submitter. Criteria: ACMG Guidelines, 2015. Collection method: clinical testing. Allele origin: germline. Affected: yes.
Comment: The variant is not observed in the gnomAD v2.1.1 dataset. Predicted Consequence/Location: Missense changes are a common disease-causing mechanism. In silico tool predictions suggest damaging effect of the variant on gene or gene product [3Cnet: 0.99 (>=0.6, sensitivity 0.72 and precision 0.9)]. Therefore, this variant is classified as VUS according to the recommendation of ACMG/AMP guideline.